The following is an entry in ClinVar:

NM_001267550.2(TTN):c.45088G>C (p.Glu15030Gln)

Genes: TTN (titin; minus strand), LOC126806427 (BRD4-independent group 4 enhancer GRCh37_chr2:179485777-179486976; plus strand). Cytogenetic location: 2q31.2.
Variant type: single nucleotide variant.
Coding change: c.45088G>C on transcript NM_001267550.2 (MANE Select); coding-DNA position 45088, G replaced by C.
Protein change: p.Glu15030Gln; replaces glutamic acid 15030 with glutamine.
Molecular consequence: missense variant.
Genome position (GRCh38, 1-based): chr2:178,621,736, C>G on the plus strand (G>C on the coding strand, the complement: TTN is on the minus strand). VCF-style: chr2-178621736-C-G. GRCh37 (hg19) VCF-style: chr2-179486463-C-G.
Other names: p.E13389Q:GAA>CAA; c.40165G>C, p.Glu13389Gln (NM_001256850.1); c.17893G>C, p.Glu5965Gln (NM_003319.4); c.37384G>C, p.Glu12462Gln (NM_133378.4); c.18268G>C, p.Glu6090Gln (NM_133432.3); c.18469G>C, p.Glu6157Gln (NM_133437.4); short protein forms E13389Q, E15030Q, E12462Q, E6090Q, E5965Q, E6157Q.
Identifiers: ClinVar variation 202639 (VCV000202639.2), dbSNP rs794729434, ClinGen allele CA309835.

ClinVar aggregate classification (germline): Uncertain significance (1 of 4 stars; one submission).

Allele frequency attached by ClinVar (database versions not stated): gnomAD exomes below 0.00001.
gnomAD v4.1: 17 of 1,610,606 alleles (0.0011%); highest among the groups gnomAD compares: Non-Finnish European, 0.0014%; no homozygotes.

Submission:

GeneDx
Classification: Uncertain significance. Last evaluated: 2014-01-17. Review status: criteria provided, single submitter. Criteria: GeneDx Variant Classification (06012015). Collection method: clinical testing. Allele origin: germline. Affected: yes.
Comment: Missense variants in the TTN gene are considered 'unclassified' if they are not previously reported in the literature and do not have >1% frequency in the population to be considered a polymorphism. Research indicates that truncating mutations in the TTN gene are expected to account for approximately 25% of familial and 18% of sporadic idiopathic DCM; however, truncating variants in the TTN gene have been reported in approximately 3% of reported control alleles. There has been little investigation into non-truncating variants. (Herman D et al. Truncations of titin causing dilated cardiomyopathy. N Eng J Med 366:619-628, 2012) The variant is found in CARDIOMYOPATHY panel(s).